The following is an entry in ClinVar:

ClinVar aggregate classification (germline): Uncertain significance (1 of 4 stars; one submission).

gnomAD v4.1: 7 of 1,614,168 alleles (0.00043%); highest among the groups gnomAD compares: South Asian, 0.0022%; no homozygotes.

Submission:

Labcorp Genetics (formerly Invitae), Labcorp
Classification: Uncertain significance. Last evaluated: 2022-06-24. Review status: criteria provided, single submitter. Criteria: Invitae Variant Classification Sherloc (09022015). Collection method: clinical testing. Allele origin: germline.
Comment: In summary, the available evidence is currently insufficient to determine the role of this variant in disease. Therefore, it has been classified as a Variant of Uncertain Significance. Algorithms developed to predict the effect of missense changes on protein structure and function output the following: SIFT: "Tolerated"; PolyPhen-2: "Benign"; Align-GVGD: "Class C0". The arginine amino acid residue is found in multiple mammalian species, which suggests that this missense change does not adversely affect protein function. This variant has not been reported in the literature in individuals affected with CEP63-related conditions. This variant is not present in population databases (gnomAD no frequency). This sequence change replaces histidine, which is basic and polar, with arginine, which is basic and polar, at codon 579 of the CEP63 protein (p.His579Arg).

NM_001353108.3(CEP63):c.1736A>G (p.His579Arg)

Gene: CEP63 (centrosomal protein 63; plus strand). Cytogenetic location: 3q22.2.
Variant type: single nucleotide variant.
Coding change: c.1736A>G on transcript NM_001353108.3 (MANE Select); coding-DNA position 1736, A replaced by G.
Protein change: p.His579Arg; replaces histidine 579 with arginine.
Molecular consequence: missense variant. On other transcripts: non-coding transcript variant (3), intron variant (17).
Genome position (GRCh38, 1-based): chr3:134,559,212, A>G. VCF-style: chr3-134559212-A-G. GRCh37 (hg19) VCF-style: chr3-134278054-A-G.
Other names: c.1598A>G, p.His533Arg (NM_001353109.1); c.1736A>G, p.His579Arg (NM_025180.5); c.1467+7200A>G (NM_001353113.1, NM_001353117.2); c.1329+7200A>G (NM_001042384.2, NM_001353124.2, NM_001353123.2); c.1330-2165A>G (NM_001353122.1, NM_001042383.2, NM_001353121.2 and 2 more transcripts); c.1468-2165A>G (NM_001353110.1, NM_001353112.2, NM_001353111.2 and 1 more transcripts); c.1357-2165A>G (NM_001353118.1); c.967-2165A>G (NM_001353126.2); and 1 more; short protein forms H533R, H579R.
Identifiers: ClinVar variation 1994066 (VCV001994066.4), dbSNP rs759571823, ClinGen allele CA354633792.